The following is an entry in ClinVar:

NM_000426.4(LAMA2):c.666A>C (p.Arg222Ser)

Gene: LAMA2 (laminin subunit alpha 2; plus strand). Cytogenetic location: 6q22.33.
Variant type: single nucleotide variant.
Coding change: c.666A>C on transcript NM_000426.4 (MANE Select); coding-DNA position 666, A replaced by C.
Protein change: p.Arg222Ser; replaces arginine 222 with serine.
Molecular consequence: missense variant.
Genome position (GRCh38, 1-based): chr6:129,143,927, A>C. VCF-style: chr6-129143927-A-C. GRCh37 (hg19) VCF-style: chr6-129465072-A-C.
Other names: c.666A>C (NM_000426.3); c.666A>C, p.Arg222Ser (NM_001079823.2); short protein forms R222S.
Identifiers: ClinVar variation 1062477 (VCV001062477.9), dbSNP rs2114958704, ClinGen allele CA365605927.

ClinVar aggregate classification (germline): Conflicting classifications of pathogenicity. Review status: criteria provided, conflicting classifications (1 of 4 stars). 2 submissions from 2 submitters: Pathogenic (1); Uncertain significance (1). Last evaluated 2022-10-18.

Conditions:
LAMA2-related muscular dystrophy (LAMA2-RD). Also called: Laminin alpha 2-related dystrophy. Identifiers: MedGen C5679788, MONDO:0100228.

Submissions (2):

Labcorp Genetics (formerly Invitae), Labcorp
Classification: Pathogenic for LAMA2-related muscular dystrophy. Last evaluated: 2022-10-18. Review status: criteria provided, single submitter. Criteria: Invitae Variant Classification Sherloc (09022015). Collection method: clinical testing. Allele origin: germline.
Comment: For these reasons, this variant has been classified as Pathogenic. Advanced modeling of protein sequence and biophysical properties (such as structural, functional, and spatial information, amino acid conservation, physicochemical variation, residue mobility, and thermodynamic stability) has been performed at Invitae for this missense variant, however the output from this modeling did not meet the statistical confidence thresholds required to predict the impact of this variant on LAMA2 protein function. ClinVar contains an entry for this variant (Variation ID: 1062477). This missense change has been observed in individual(s) with clinical features of LAMA2-related conditions (Invitae). In at least one individual the data is consistent with being in trans (on the opposite chromosome) from a pathogenic variant. It has also been observed to segregate with disease in related individuals. This variant is not present in population databases (gnomAD no frequency). This sequence change replaces arginine, which is basic and polar, with serine, which is neutral and polar, at codon 222 of the LAMA2 protein (p.Arg222Ser).

Revvity Omics, Revvity
Classification: Uncertain significance. Last evaluated: 2019-11-25. Review status: criteria provided, single submitter. Criteria: ACMG Guidelines, 2015. Collection method: clinical testing. Allele origin: germline.